The following is an entry in ClinVar:

NM_006914.4(RORB):c.636C>T (p.Ile212=)

Gene: RORB (RAR related orphan receptor B; plus strand). Cytogenetic location: 9q21.13.
Variant type: single nucleotide variant.
Coding change: c.636C>T on transcript NM_006914.4 (MANE Select); coding-DNA position 636, C replaced by T.
Protein change: p.Ile212=; no amino-acid change (isoleucine 212 retained).
Molecular consequence: synonymous variant.
Genome position (GRCh38, 1-based): chr9:74,642,814, C>T. VCF-style: chr9-74642814-C-T. GRCh37 (hg19) VCF-style: chr9-77257730-C-T.
Other names: c.669C>T, p.Ile223= (NM_001365023.1).
Identifiers: ClinVar variation 1482520 (VCV001482520.9), dbSNP rs267602266, ClinGen allele CA193859320.

ClinVar aggregate classification (germline): Uncertain significance. Review status: criteria provided, multiple submitters, no conflicts (2 of 4 stars). 2 submissions from 2 submitters: Uncertain significance (2). Last evaluated 2023-05-20.

Conditions:
Epilepsy, idiopathic generalized, susceptibility to, 15 (EIG15). Identifiers: MedGen C5193050, MONDO:0032699, OMIM 618357.

gnomAD v4.1: 6 of 1,581,644 alleles (0.00038%); highest among the groups gnomAD compares: Admixed American, 0.0017%; no homozygotes.

Submissions (2):

Neuberg Centre For Genomic Medicine, NCGM
Classification: Uncertain significance for Epilepsy, idiopathic generalized, susceptibility to, 15. Last evaluated: 2023-05-20. Review status: criteria provided, single submitter. Criteria: ACMG Guidelines, 2015. Collection method: clinical testing. Allele origin: germline. Inheritance: Autosomal dominant inheritance. Affected: yes.
Comment: The observed splice region c.636C>T(p.Ile212) variant has not been reported previously as a pathogenic variant nor as a benign variant, to our knowledge. The p.Ile212 variant is absent in gnomAD Exomes database. This variant has been reported to the ClinVar database as Uncertain significance. For these reasons, this variant has been classified as Uncertain Significance (VUS).

Labcorp Genetics (formerly Invitae), Labcorp
Classification: Uncertain significance. Last evaluated: 2022-02-04. Review status: criteria provided, single submitter. Criteria: Invitae Variant Classification Sherloc (09022015). Collection method: clinical testing. Allele origin: germline.
Comment: In summary, the available evidence is currently insufficient to determine the role of this variant in disease. Therefore, it has been classified as a Variant of Uncertain Significance. Algorithms developed to predict the effect of sequence changes on RNA splicing suggest that this variant is not likely to affect RNA splicing. This variant has not been reported in the literature in individuals affected with RORB-related conditions. This variant is not present in population databases (gnomAD no frequency). This sequence change affects codon 212 of the RORB mRNA. It is a 'silent' change, meaning that it does not change the encoded amino acid sequence of the RORB protein. It affects a nucleotide within the consensus splice site.